The following is an entry in ClinVar:

NM_006073.4(TRDN):c.1739-210G>A

Gene: TRDN (triadin; minus strand). Cytogenetic location: 6q22.31.
Variant type: single nucleotide variant.
Coding change: c.1739-210G>A on transcript NM_006073.4 (MANE Select); 210 bases into the intron before coding-DNA position 1739, G replaced by A.
Molecular consequence: intron variant.
Genome position (GRCh38, 1-based): chr6:123,267,961, C>T on the plus strand (G>A on the coding strand, the complement: TRDN is on the minus strand). VCF-style: chr6-123267961-C-T. GRCh37 (hg19) VCF-style: chr6-123589106-C-T.
Identifiers: ClinVar variation 674825 (VCV000674825.1), dbSNP rs10457445, ClinGen allele CA147230413.

ClinVar aggregate classification (germline): Benign (1 of 4 stars; one submission).

Allele frequency attached by ClinVar (database versions not stated): 1000 Genomes Project 0.37520; 1000 Genomes Project 30x 0.38054; gnomAD 0.45341 and 0.45907; TOPMed 0.47109.
gnomAD v4.1: 69,037 of 151,834 alleles (45%); highest among the groups gnomAD compares: Admixed American, 57%; 16,545 homozygotes.

Submission:

GeneDx
Classification: Benign. Last evaluated: 2018-06-14. Review status: criteria provided, single submitter. Criteria: GeneDx Variant Classification (06012015). Collection method: clinical testing. Allele origin: germline. Affected: yes.
Comment: This variant is considered likely benign or benign based on one or more of the following criteria: it is a conservative change, it occurs at a poorly conserved position in the protein, it is predicted to be benign by multiple in silico algorithms, and/or has population frequency not consistent with disease.